The following is an entry in ClinVar:

ClinVar aggregate classification (germline): Pathogenic/Likely pathogenic. Review status: criteria provided, multiple submitters, no conflicts (2 of 4 stars). 10 submissions from 10 submitters: Pathogenic (8); Likely pathogenic (1). 1 of the submissions does not count toward it. Last evaluated 2026-09-24.

Conditions:
Retinitis pigmentosa 87 with choroidal involvement. Identifiers: MedGen C5231465, MONDO:0032873, OMIM 618697.
Neurodevelopmental disorder. Identifiers: MedGen C1535926, MeSH D065886, MONDO:0700092.
RPE65-related disorder. Also called: RPE65-related disorders; RPE65-related condition. Identifiers: MedGen CN239301.
Leber congenital amaurosis (LCA). Also called: Leber's amaurosis. Identifiers: Orphanet 65, MedGen C0339527, MeSH D057130, MONDO:0018998.
Retinal disorder. Also called: Retinal disorders; Retinopathy; Retinopathies; Retinal Diseases. Identifiers: MedGen C0035309, MONDO:0005283, HP:0000488.
Retinitis pigmentosa 20 (RP20). Identifiers: Orphanet 791, MedGen C3151086, MONDO:0013425, OMIM 613794.
Leber congenital amaurosis 2 (LCA2). Also called: AMAUROSIS CONGENITA OF LEBER II; Autosomal Recessive RPE65-Related Retinal Degeneration. Identifiers: Orphanet 65, MedGen C1859844, MONDO:0008765, OMIM 204100. Disease mechanism: loss of function.

Allele frequency attached by ClinVar (database versions not stated): gnomAD exomes below 0.00001.
gnomAD v4.1: 2 of 1,613,714 alleles (0.00012%); highest among the groups gnomAD compares: Non-Finnish European, 0.00017%; no homozygotes.

Submissions (10):

GeneDx
Classification: Pathogenic. Last evaluated: 2026-09-24. Review status: criteria provided, single submitter. Criteria: GeneDx Variant Classification Process June 2021. Collection method: clinical testing. Allele origin: germline.
Comment: RNA studies demonstrate a damaging effect: multiple exon skipping events with usage of a strengthened cryptic acceptor site (PMID: 40985799); Not observed at significant frequency in large population cohorts (gnomAD); In silico analysis suggests that this missense variant does not alter protein structure/function; This variant is associated with the following publications: (PMID: 27307694, 28041994, 32581362, 33261050, 32426524, 33512609, 30628748, 33776059, 29659842, 29947567, 32014860, 37014074, 35271391, 41533932, 34906470, 41051147, 37440066, 38219857, 39127396, 40985799, 21654732)

Mendelics
Classification: Pathogenic for Retinitis pigmentosa 20. Last evaluated: 2026-03-05. Review status: criteria provided, single submitter. Criteria: ACMG Guidelines, 2015. Collection method: clinical testing. Allele origin: unknown.
Comment: Likely pathogenic/Pathogenic according to ACMG criteria.

Genetics Laboratory, Great Ormond Street Hospital NHS Foundation Trust, North Thames Genomic Laboratory Hub
Classification: Pathogenic for Retinal disorders. Last evaluated: 2026-01-02. Review status: criteria provided, single submitter. Criteria: ACGS Best Practice Guidelines for Variant Classification in Rare Disease 2024 v1.2. Collection method: clinical testing. Allele origin: germline. Affected: yes.
Comment: PS4_moderate, PM2_moderate, PP3_supporting, PS3_strong, PP1_strong

Labcorp Genetics (formerly Invitae), Labcorp
Classification: Pathogenic for Leber congenital amaurosis 2; Retinitis pigmentosa 20. Last evaluated: 2025-10-15. Review status: criteria provided, single submitter. Criteria: Invitae Variant Classification Sherloc (09022015). Collection method: clinical testing. Allele origin: germline.
Comment: This sequence change replaces aspartic acid, which is acidic and polar, with glycine, which is neutral and non-polar, at codon 477 of the RPE65 protein (p.Asp477Gly). This variant is not present in population databases (gnomAD no frequency). This missense change has been observed in individual(s) with autosomal dominant retinal dystrophy with choroidal involvement (PMID: 21654732, 27307694, 29947567). It has also been observed to segregate with disease in related individuals. ClinVar contains an entry for this variant (Variation ID: 750796). Invitae Evidence Modeling of protein sequence and biophysical properties (such as structural, functional, and spatial information, amino acid conservation, physicochemical variation, residue mobility, and thermodynamic stability) indicates that this missense variant is not expected to disrupt RPE65 protein function with a negative predictive value of 80%. Experimental studies have shown that this missense change affects RPE65 function (PMID: 21654732, 28041994, 29659842, 30628748). For these reasons, this variant has been classified as Pathogenic.

Blueprint Genetics
Classification: Pathogenic for RPE65-related disorders. Last evaluated: 2024-11-15. Review status: criteria provided, single submitter. Criteria: ACMG Guidelines, 2015. Collection method: clinical testing. Allele origin: germline. Affected: yes. Observed: 5 variant alleles.

Natera, Inc.
Classification: Likely pathogenic for Leber congenital amaurosis. Last evaluated: 2024-10-23. Review status: criteria provided, single submitter. Criteria: Natera Variant Classification Schema (03/2026). Collection method: clinical testing. Allele origin: germline.
Comment: The c.1430A>G variant in RPE65 is a missense variant predicted to cause substitution of aspartic acid to glycine at amino acid 477. This variant is rare in the general population with a frequency below the threshold expected for the associated phenotype(s). This variant has been observed in affected individual(s) with monoallelic occurrence (heterozygous/hemizygous) (PMID: 32014860, 21654732, 27307694, 32581362). Functional studies show that this variant may disrupt protein function (PMID: 28041994, 30628748). Computational prediction algorithms indicate this variant is likely to affect gene or protein function. Given the available evidence, this variant is classified as Likely Pathogenic.

Laboratory of Molecular Genetics (Pr. Bezieau's lab), CHU de Nantes
Classification: Pathogenic for Neurodevelopmental disorder. Last evaluated: 2021-12-16. Review status: criteria provided, single submitter. Criteria: ACMG Guidelines, 2015. Collection method: clinical testing. Allele origin: germline. Affected: yes.

Ocular Genomics Institute, Massachusetts Eye and Ear
Classification: Pathogenic for Retinitis pigmentosa 20. Last evaluated: 2021-04-08. Review status: criteria provided, single submitter. Criteria: ACMG Guidelines, 2015. Collection method: research. Allele origin: germline. Affected: yes.
Comment: Through a review of available evidence we were able to apply the following criteria: PS3, PM2, PP1-S. Based on this evidence we have classified this variant as Pathogenic.

Farrar Lab, Smurfit Institute of Genetics, Trinity College Dublin
Classification: Pathogenic for RPE65-Related Disorders. Last evaluated: 2019-12-10. Review status: criteria provided, single submitter. Criteria: ACMG Guidelines, 2015. Collection method: clinical testing. Allele origin: inherited. Inheritance: Autosomal dominant inheritance. Affected: yes. Observed: 23 variant alleles, 23 heterozygotes.
Comment: The Asp477Gly variant has been previously reported in several publications (Bowne 2011, PMID: 21654732; Hull 2016, PMID: 27307694). Functional analysis in animal models of the variant has also displayed a similar pathology (Shin 2017, PMID: 28041994). This missense mutation appears to result in aberrant RNA splicing (Li 2019, PMID: 30628748). The phenotype is an unusual retinitis pigmentosa, often presenting as a phenocopy of choroideremia. The inheritance pattern is autosomal dominant with a variable age of onset. The variant is absent from large population databases (gnomAD). In the Irish population there are currently 23 individuals confirmed affected with this genotype from 7 different pedigrees. Based on population, cosegregation and functional data, we interpret this variant as pathogenic.

OMIM
Classification: Pathogenic for RETINITIS PIGMENTOSA 87 WITH CHOROIDAL INVOLVEMENT. Last evaluated: 2020-04-01. Review status: no assertion criteria provided. Collection method: literature only. Allele origin: germline. Not counted in ClinVar's aggregate classification.

Literature cited by the submitters: PubMed 21654732 (cited by 4 submitters); PubMed 27307694 (cited by 4 submitters); PubMed 29947567 (cited by 3 submitters); PubMed 28041994 (cited by 4 submitters); PubMed 29659842 (cited by 3 submitters); PubMed 30628748 (cited by 4 submitters); PubMed 32014860 (cited by Natera, Inc.); PubMed 32581362 (cited by Natera, Inc.); PubMed 31379919 (cited by Ocular Genomics Institute, Massachusetts Eye and Ear).

NM_000329.3(RPE65):c.1430A>G (p.Asp477Gly)

Gene: RPE65 (retinoid isomerohydrolase RPE65; minus strand). Cytogenetic location: 1p31.3.
Variant type: single nucleotide variant.
Coding change: c.1430A>G on transcript NM_000329.3 (MANE Select); coding-DNA position 1430, A replaced by G.
Protein change: p.Asp477Gly; replaces aspartic acid 477 with glycine.
Molecular consequence: missense variant.
Genome position (GRCh38, 1-based): chr1:68,431,085, T>C on the plus strand (A>G on the coding strand, the complement: RPE65 is on the minus strand). VCF-style: chr1-68431085-T-C. GRCh37 (hg19) VCF-style: chr1-68896768-T-C.
Other names: short protein forms D477G.
Identifiers: ClinVar variation 750796 (VCV000750796.25), dbSNP rs1571158279, ClinGen allele CA340741778.